The following is an entry in ClinVar:

NM_004991.4(MECOM):c.3378G>A (p.Met1126Ile)

Gene: MECOM (MDS1 and EVI1 complex locus; minus strand). Cytogenetic location: 3q26.2.
Variant type: single nucleotide variant.
Coding change: c.3378G>A on transcript NM_004991.4 (MANE Select); coding-DNA position 3378, G replaced by A.
Protein change: p.Met1126Ile; replaces methionine 1126 with isoleucine.
Molecular consequence: missense variant.
Genome position (GRCh38, 1-based): chr3:169,090,023, C>T on the plus strand (G>A on the coding strand, the complement: MECOM is on the minus strand). VCF-style: chr3-169090023-C-T. GRCh37 (hg19) VCF-style: chr3-168807811-C-T.
Other names: c.3009G>A, p.Met1003Ile (NM_001105077.4); c.2814G>A, p.Met938Ile (NM_001105078.4, NM_001205194.2, NM_001366469.2 and 1 more transcripts); c.2790G>A, p.Met930Ile (NM_001163999.2, NM_001366470.2); c.2787G>A, p.Met929Ile (NM_001164000.2, NM_001366471.2, NM_001366472.2); c.3351G>A, p.Met1117Ile (NM_001366466.2); c.2817G>A, p.Met939Ile (NM_001366467.2, NM_001366468.2); c.2379G>A, p.Met793Ile (NM_001366473.2); c.1815G>A, p.Met605Ile (NM_001366474.2); short protein forms M1126I, M930I, M793I, M939I, M605I, M929I, M1003I, M1117I.
Identifiers: ClinVar variation 3871896 (VCV003871896.1).

ClinVar aggregate classification (germline): Uncertain significance (1 of 4 stars; one submission).

Conditions:
Inborn genetic diseases. Identifiers: MedGen C0950123, MeSH D030342.

Submission:

Ambry Genetics
Classification: Uncertain significance for Inborn genetic diseases. Last evaluated: 2025-03-10. Review status: criteria provided, single submitter. Criteria: Ambry Variant Classification Scheme 2023. Collection method: clinical testing. Allele origin: germline.
Comment: The p.M1126I variant (also known as c.3378G>A), located in coding exon 15 of the MECOM gene, results from a G to A substitution at nucleotide position 3378. The methionine at codon 1126 is replaced by isoleucine, an amino acid with highly similar properties. This amino acid position is conserved. In addition, this alteration is predicted to be tolerated by in silico analysis. Based on the available evidence, the clinical significance of this variant remains unclear.